The following is an entry in ClinVar:

ClinVar aggregate classification (germline): Uncertain significance (1 of 4 stars; one submission).

Allele frequency attached by ClinVar (database versions not stated): gnomAD exomes below 0.00001.
gnomAD v4.1: 3 of 1,613,840 alleles (0.00019%); highest among the groups gnomAD compares: Non-Finnish European, 0.00017%; no homozygotes.

Submission:

Labcorp Genetics (formerly Invitae), Labcorp
Classification: Uncertain significance. Last evaluated: 2025-01-16. Review status: criteria provided, single submitter. Criteria: Invitae Variant Classification Sherloc (09022015). Collection method: clinical testing. Allele origin: germline.
Comment: This sequence change replaces leucine, which is neutral and non-polar, with proline, which is neutral and non-polar, at codon 103 of the PCDH15 protein (p.Leu103Pro). This variant is present in population databases (no rsID available, gnomAD 0.0009%). This variant has not been reported in the literature in individuals affected with PCDH15-related conditions. ClinVar contains an entry for this variant (Variation ID: 1985752). Invitae Evidence Modeling of protein sequence and biophysical properties (such as structural, functional, and spatial information, amino acid conservation, physicochemical variation, residue mobility, and thermodynamic stability) has been performed for this missense variant. However, the output from this modeling did not meet the statistical confidence thresholds required to predict the impact of this variant on PCDH15 protein function. In summary, the available evidence is currently insufficient to determine the role of this variant in disease. Therefore, it has been classified as a Variant of Uncertain Significance.

NM_001384140.1(PCDH15):c.308T>C (p.Leu103Pro)

Gene: PCDH15 (protocadherin related 15; minus strand). Cytogenetic location: 10q21.1.
Variant type: single nucleotide variant.
Coding change: c.308T>C on transcript NM_001384140.1 (MANE Select); coding-DNA position 308, T replaced by C.
Protein change: p.Leu103Pro; replaces leucine 103 with proline.
Molecular consequence: missense variant.
Genome position (GRCh38, 1-based): chr10:54,378,792, A>G on the plus strand (T>C on the coding strand, the complement: PCDH15 is on the minus strand). VCF-style: chr10-54378792-A-G. GRCh37 (hg19) VCF-style: chr10-56138552-A-G.
Other names: c.323T>C, p.Leu108Pro (NM_001142763.2, NM_001142769.4, NM_001142771.2); c.308T>C, p.Leu103Pro (NM_001142764.2, NM_001142765.2, NM_001142766.2 and 8 more transcripts); c.242T>C, p.Leu81Pro (NM_001142768.2, NM_001142773.2, NM_001354404.2); short protein forms L81P, L103P, L108P.
Identifiers: ClinVar variation 1985752 (VCV001985752.4), dbSNP rs1259267851, ClinGen allele CA376540420.